The following is an entry in ClinVar:

NM_007375.4(TARDBP):c.87C>T (p.Ser29=)

Gene: TARDBP (TAR DNA binding protein; plus strand). Cytogenetic location: 1p36.22.
Variant type: single nucleotide variant.
Coding change: c.87C>T on transcript NM_007375.4 (MANE Select); coding-DNA position 87, C replaced by T.
Protein change: p.Ser29=; no amino-acid change (serine 29 retained).
Molecular consequence: synonymous variant.
Genome position (GRCh38, 1-based): chr1:11,013,814, C>T. VCF-style: chr1-11013814-C-T. GRCh37 (hg19) VCF-style: chr1-11073871-C-T.
Identifiers: ClinVar variation 444152 (VCV000444152.52), dbSNP rs201693535, ClinGen allele CA586308.

ClinVar aggregate classification (germline): Conflicting classifications of pathogenicity. Review status: criteria provided, conflicting classifications (1 of 4 stars). 5 submissions from 5 submitters: Uncertain significance (1); Benign (1); Likely benign (3). Last evaluated 2025-10-27.

Conditions:
Inborn genetic diseases. Identifiers: MedGen C0950123, MeSH D030342.
TARDBP-related disorder. Also called: TARDBP-related condition.
Amyotrophic lateral sclerosis type 10 (ALS10). Also called: TARDBP-Related Amyotrophic Lateral Sclerosis-Frontotemporal Dementia; AMYOTROPHIC LATERAL SCLEROSIS 10 WITH OR WITHOUT FRONTOTEMPORAL DEMENTIA; Amyotrophic lateral sclerosis 10, with or without FTD; AMYOTROPHIC LATERAL SCLEROSIS 10 WITHOUT FRONTOTEMPORAL DEMENTIA AND WITH TDP43 INCLUSIONS; AMYOTROPHIC LATERAL SCLEROSIS 10 WITH OR WITHOUT FRONTOTEMPORAL DEMENTIA AND WITH TDP43 INCLUSIONS. Identifiers: Orphanet 275872, Orphanet 803, MedGen C2677565, MONDO:0012790, OMIM 612069.
FRONTOTEMPORAL LOBAR DEGENERATION WITH TDP43 INCLUSIONS, TARDBP-RELATED. Also called: Frontotemporal lobar degeneration, TARDBP-related. Identifiers: MedGen C3150169, OMIM 612069.

Allele frequency attached by ClinVar (database versions not stated): TOPMed 0.00003; gnomAD exomes 0.00004; gnomAD 0.00005; 1000 Genomes Project 30x 0.00016; 1000 Genomes Project 0.00020; ExAC 0.00003.

Submissions (5):

Labcorp Genetics (formerly Invitae), Labcorp
Classification: Likely benign for Amyotrophic lateral sclerosis type 10; FRONTOTEMPORAL LOBAR DEGENERATION WITH TDP43 INCLUSIONS, TARDBP-RELATED. Last evaluated: 2025-10-27. Review status: criteria provided, single submitter. Criteria: Invitae Variant Classification Sherloc (09022015). Collection method: clinical testing. Allele origin: germline.

PreventionGenetics, part of Exact Sciences
Classification: Likely benign for TARDBP-related condition. Last evaluated: 2025-10-27. Review status: criteria provided, single submitter. Criteria: ACMG Guidelines, 2015. Collection method: clinical testing. Allele origin: germline.
Comment: This variant is classified as likely benign based on ACMG/AMP sequence variant interpretation guidelines (Richards et al. 2015 PMID: 25741868, with internal and published modifications).

Ambry Genetics
Classification: Likely benign for Inborn genetic diseases. Last evaluated: 2019-07-11. Review status: criteria provided, single submitter. Criteria: Ambry Variant Classification Scheme 2023. Collection method: clinical testing. Allele origin: germline.

Athena Diagnostics
Classification: Benign. Last evaluated: 2019-01-08. Review status: criteria provided, single submitter. Criteria: Athena Diagnostics Criteria. Collection method: clinical testing. Allele origin: germline.

CeGaT Center for Human Genetics Tuebingen
Classification: Uncertain significance. Last evaluated: 2017-02-01. Review status: criteria provided, single submitter. Criteria: CeGaT Center For Human Genetics Tuebingen Variant Classification Criteria Version 2. Collection method: clinical testing. Allele origin: germline. Affected: yes. Observed: 1 variant allele.